The following is an entry in ClinVar:

NM_152743.4(BRAT1):c.477T>G (p.Phe159Leu)

Gene: BRAT1 (BRCA1 associated ATM activator 1; minus strand). Cytogenetic location: 7p22.3.
Variant type: single nucleotide variant.
Coding change: c.477T>G on transcript NM_152743.4 (MANE Select); coding-DNA position 477, T replaced by G.
Protein change: p.Phe159Leu; replaces phenylalanine 159 with leucine.
Molecular consequence: missense variant. On other transcripts: 5 prime UTR variant (1), non-coding transcript variant (1).
Genome position (GRCh38, 1-based): chr7:2,543,916, A>C on the plus strand (T>G on the coding strand, the complement: BRAT1 is on the minus strand). VCF-style: chr7-2543916-A-C. GRCh37 (hg19) VCF-style: chr7-2583550-A-C.
Other names: c.477T>G (NM_152743.3); c.477T>G, p.Phe159Leu (NM_001350626.2); c.-49T>G (NM_001350627.2); short protein forms F159L.
Identifiers: ClinVar variation 1015300 (VCV001015300.8), dbSNP rs759994739, ClinGen allele CA4128187.
Genomic context (GRCh38, chr7:2,543,916, plus strand): 5'-TCCACCTCGCATGGACAAAGCCAGGACGTGCACCAGGAGCTGACTGGCCGCCGAGGCCAC[A>C]AACAGGCTGGAGTCTCCCTGCAGGGAGAAGATGGTGTCGACCGCACCTGGGTAGGGGATG-3'
Protein context (NP_689956.2, residues 149-169): IFSLQGDSSL[Phe159Leu]VASAASQLLV

ClinVar aggregate classification (germline): Uncertain significance. Review status: criteria provided, multiple submitters, no conflicts (2 of 4 stars). 3 submissions from 3 submitters: Uncertain significance (3). Last evaluated 2025-08-28.

Conditions:
Inborn genetic diseases. Identifiers: MedGen C0950123, MeSH D030342.
Neonatal-onset encephalopathy with rigidity and seizures. Also called: Lethal neonatal spasticity-epileptic encephalopathy syndrome. Identifiers: Orphanet 435845, MedGen C3281029, MONDO:0013784, OMIM 614498.

Allele frequency attached by ClinVar (database versions not stated): ExAC 0.00001; gnomAD exomes 0.00002 and 0.00005; TOPMed 0.00003; gnomAD 0.00004.
gnomAD v4.1: 77 of 1,605,834 alleles (0.0048%); highest among the groups gnomAD compares: Non-Finnish European, 0.006%; no homozygotes.

Submissions (3):

GeneDx
Classification: Uncertain significance. Last evaluated: 2025-08-28. Review status: criteria provided, single submitter. Criteria: GeneDx Variant Classification Process June 2021. Collection method: clinical testing. Allele origin: germline.
Comment: Not observed at significant frequency in large population cohorts (gnomAD); In silico analysis supports that this missense variant has a deleterious effect on protein structure/function; Has not been previously published as pathogenic or benign to our knowledge

Ambry Genetics
Classification: Uncertain significance for Inborn genetic diseases. Last evaluated: 2024-04-08. Review status: criteria provided, single submitter. Criteria: Ambry Variant Classification Scheme 2023. Collection method: clinical testing. Allele origin: germline.

Labcorp Genetics (formerly Invitae), Labcorp
Classification: Uncertain significance for Neonatal-onset encephalopathy with rigidity and seizures. Last evaluated: 2022-01-14. Review status: criteria provided, single submitter. Criteria: Invitae Variant Classification Sherloc (09022015). Collection method: clinical testing. Allele origin: germline.
Comment: This sequence change replaces phenylalanine, which is neutral and non-polar, with leucine, which is neutral and non-polar, at codon 159 of the BRAT1 protein (p.Phe159Leu). This variant is present in population databases (rs759994739, gnomAD 0.004%). This variant has not been reported in the literature in individuals affected with BRAT1-related conditions. ClinVar contains an entry for this variant (Variation ID: 1015300). Algorithms developed to predict the effect of missense changes on protein structure and function are either unavailable or do not agree on the potential impact of this missense change (SIFT: "Deleterious"; PolyPhen-2: "Probably Damaging"; Align-GVGD: "Class C15"). In summary, the available evidence is currently insufficient to determine the role of this variant in disease. Therefore, it has been classified as a Variant of Uncertain Significance.